The following is an entry in ClinVar:

NM_000969.5(RPL5):c.60del (p.Phe20fs)

Genes: DIPK1A (divergent protein kinase domain 1A; minus strand), RPL5 (ribosomal protein L5; plus strand). Cytogenetic location: 1p22.1.
Variant type: Deletion.
Coding change: c.60del on transcript NM_000969.5 (MANE Select); coding-DNA position 60, one base deleted (T; older notation c.60delT).
Protein change: p.Phe20fs; shifts the reading frame from phenylalanine 20.
Molecular consequence: frameshift variant. On other transcripts: non-coding transcript variant (1), intron variant (1).
Genome position (GRCh38, 1-based): chr1:92,833,445, T deleted; the last of 3 consecutive T bases (chr1:92,833,443-92,833,445); deleting any one gives the same sequence. VCF-style (leftmost placement, unchanged base first): chr1-92833442-AT-A. GRCh37 (hg19) VCF-style: chr1-93298999-AT-A.
Other names: c.475-409del (NM_001252273.2); short protein forms F20fs.
Identifiers: ClinVar variation 1751601 (VCV001751601.2), dbSNP rs2524447751, ClinGen allele CA2580063314.

ClinVar aggregate classification (germline): Pathogenic (1 of 4 stars; one submission).

Conditions:
Diamond-Blackfan anemia. Also called: Aase syndrome; Blackfan Diamond syndrome; Aregenerative anemia chronic congenital; Red cell aplasia, pure hereditary; Congenital hypoplastic anemia. Identifiers: Orphanet 124, MedGen C1260899, MeSH D029503, MONDO:0015253, HP:0004810.

Submission:

Ambry Genetics
Classification: Pathogenic for Diamond-Blackfan anemia. Last evaluated: 2017-09-29. Review status: criteria provided, single submitter. Criteria: Ambry Variant Classification Scheme 2023. Collection method: clinical testing. Allele origin: germline.
Comment: The c.60delT pathogenic mutation, located in coding exon 2 of the RPL5 gene, results from a deletion of one nucleotide at nucleotide position 60, causing a translational frameshift with a predicted alternate stop codon (p.F20Lfs*18). This alteration is expected to result in loss of function by premature protein truncation or nonsense-mediated mRNA decay. As such, this alteration is interpreted as a disease-causing mutation.